The following is an entry in ClinVar:

NM_001127511.3(APC):c.-142G>T

Gene: APC (APC regulator of Wnt signaling pathway; plus strand). Cytogenetic location: 5q22.2.
Variant type: single nucleotide variant.
Coding change: c.-142G>T on transcript NM_001127511.3; 142 bases upstream of the start codon, G replaced by T.
Molecular consequence: 5 prime UTR variant. On other transcripts: non-coding transcript variant (2).
Genome position (GRCh38, 1-based): chr5:112,707,576, G>T. VCF-style: chr5-112707576-G-T. GRCh37 (hg19) VCF-style: chr5-112043273-G-T.
Other names: c.-325G>T (NM_001354895.2, NM_001407447.1, NM_001407452.1 and 3 more transcripts); c.-142G>T (NM_001354897.2, NM_001354902.2, NM_001407446.1); c.-92G>T (NM_001407448.1, NM_001407450.1, NM_001407457.1 and 1 more transcripts); c.-116G>T (NM_001407453.1); c.-1360G>T (NM_001407470.1, NM_001407472.1).
Identifiers: ClinVar variation 1061541 (VCV001061541.9), dbSNP rs951500465, ClinGen allele CA2499217390.

ClinVar aggregate classification (germline): Uncertain significance (1 of 4 stars; one submission).

Conditions:
Familial adenomatous polyposis 1 (FAP1). Also called: FAMILIAL ADENOMATOUS POLYPOSIS 1, ATTENUATED; POLYPOSIS, ADENOMATOUS INTESTINAL. Identifiers: MedGen C2713442, MONDO:0021056, OMIM 175100. Disease mechanism: loss of function.

gnomAD v4.1: 1 of 869,726 alleles (0.00011%); highest among the groups gnomAD compares: Non-Finnish European, 0.00016%; no homozygotes.

Submission:

Labcorp Genetics (formerly Invitae), Labcorp
Classification: Uncertain significance for Familial adenomatous polyposis 1. Last evaluated: 2024-05-28. Review status: criteria provided, single submitter. Criteria: Invitae Variant Classification Sherloc (09022015). Collection method: clinical testing. Allele origin: germline.
Comment: This variant occurs in a non-coding region of the APC gene. It does not change the encoded amino acid sequence of the APC protein. This variant is not present in population databases (gnomAD no frequency). This variant has not been reported in the literature in individuals affected with APC-related conditions. Experimental studies and prediction algorithms are not available or were not evaluated, and the functional significance of this variant is currently unknown. In summary, the available evidence is currently insufficient to determine the role of this variant in disease. Therefore, it has been classified as a Variant of Uncertain Significance.